The following is an entry in ClinVar:

NM_000465.4(BARD1):c.1323dup (p.Pro442fs)

Gene: BARD1 (BRCA1 associated RING domain 1; minus strand). Cytogenetic location: 2q35.
Variant type: Duplication.
Coding change: c.1323dup on transcript NM_000465.4 (MANE Select); coding-DNA position 1323, one base duplicated (A; older notation c.1323dupA).
Protein change: p.Pro442fs; shifts the reading frame from proline 442.
Molecular consequence: frameshift variant. On other transcripts: non-coding transcript variant (3), intron variant (3).
Genome position (GRCh38, 1-based): chr2:214,769,304, T duplicated on the plus strand (A on the coding strand, the reverse complement: BARD1 is on the minus strand). VCF-style (leftmost placement, unchanged base first): chr2-214769303-G-GT. GRCh37 (hg19) VCF-style: chr2-215634027-G-GT.
Other names: c.159-16749dup (NM_001282548.2); c.216-16749dup (NM_001282545.2); c.364+22993dup (NM_001282549.2); c.1266dup, p.Pro423fs (NM_001282543.2); short protein forms P423fs, P442fs.
Identifiers: ClinVar variation 921307 (VCV000921307.5), dbSNP rs1694365908, ClinGen allele CA913188276.

ClinVar aggregate classification (germline): Pathogenic. Review status: criteria provided, multiple submitters, no conflicts (2 of 4 stars). 2 submissions from 2 submitters: Pathogenic (2). Last evaluated 2023-05-22.

Conditions:
Hereditary cancer-predisposing syndrome. Also called: Neoplastic Syndromes, Hereditary; Tumor predisposition; Hereditary Cancer Syndrome; Hereditary neoplastic syndrome. Identifiers: Orphanet 140162, MedGen C0027672, MeSH D009386, MONDO:0015356.
Familial cancer of breast. Also called: BREAST CANCER, FAMILIAL; hereditary breast carcinoma; Hereditary breast cancer. Identifiers: Orphanet 227535, MedGen C0346153, MONDO:0016419, OMIM 114480. Disease mechanism: loss of function.

Submissions (2):

Myriad Genetics, Inc.
Classification: Pathogenic for Familial cancer of breast. Last evaluated: 2023-05-22. Review status: criteria provided, single submitter. Criteria: Myriad Autosomal Dominant, Autosomal Recessive and X-Linked Classification Criteria (2023). Collection method: clinical testing. Allele origin: unknown.
Comment: This variant is considered pathogenic. This variant creates a frameshift predicted to result in premature protein truncation.

Color Diagnostics, LLC DBA Color Health
Classification: Pathogenic for Hereditary cancer-predisposing syndrome. Last evaluated: 2020-01-15. Review status: criteria provided, single submitter. Criteria: ACMG Guidelines, 2015. Collection method: clinical testing. Allele origin: germline.
Comment: This variant inserts 1 nucleotide in exon 5 of the BARD1 gene, creating a frameshift and premature translation stop signal. This variant is expected to result in an absent or non-functional protein product. This variant has not been identified in the general population by the Genome Aggregation Database (gnomAD). Loss of BARD1 function is a known mechanism of disease. Based on the available evidence, this variant is classified as Pathogenic.